The following is an entry in ClinVar:

ClinVar aggregate classification (germline): Uncertain significance. Review status: criteria provided, multiple submitters, no conflicts (2 of 4 stars). 3 submissions from 3 submitters: Uncertain significance (3). Last evaluated 2025-08-22.

Conditions:
Inborn genetic diseases. Identifiers: MedGen C0950123, MeSH D030342.
Developmental and epileptic encephalopathy. Identifiers: MedGen C5779964, MONDO:0100620.

Allele frequency attached by ClinVar (database versions not stated): gnomAD exomes 0.00001; TOPMed 0.00005; gnomAD 0.00007.
gnomAD v4.1: 205 of 1,613,302 alleles (0.013%); highest among the groups gnomAD compares: Non-Finnish European, 0.015%; no homozygotes.

Submissions (3):

Ambry Genetics
Classification: Uncertain significance for Inborn genetic diseases. Last evaluated: 2025-08-22. Review status: criteria provided, single submitter. Criteria: Ambry Variant Classification Scheme 2023. Collection method: clinical testing. Allele origin: germline.

Labcorp Genetics (formerly Invitae), Labcorp
Classification: Uncertain significance for Early-infantile DEE. Last evaluated: 2022-09-12. Review status: criteria provided, single submitter. Criteria: Invitae Variant Classification Sherloc (09022015). Collection method: clinical testing. Allele origin: germline.
Comment: This sequence change replaces histidine, which is basic and polar, with glutamine, which is neutral and polar, at codon 1089 of the CACNA2D2 protein (p.His1089Gln). This variant is present in population databases (rs781660163, gnomAD 0.003%). This variant has not been reported in the literature in individuals affected with CACNA2D2-related conditions. ClinVar contains an entry for this variant (Variation ID: 411008). Algorithms developed to predict the effect of missense changes on protein structure and function (SIFT, PolyPhen-2, Align-GVGD) all suggest that this variant is likely to be tolerated. In summary, the available evidence is currently insufficient to determine the role of this variant in disease. Therefore, it has been classified as a Variant of Uncertain Significance.

Fulgent Genetics
Classification: Uncertain significance for Early infantile epileptic encephalopathy with suppression bursts. Last evaluated: 2018-10-31. Review status: criteria provided, single submitter. Criteria: ACMG Guidelines, 2015. Collection method: clinical testing. Allele origin: unknown.

NM_006030.4(CACNA2D2):c.3267C>A (p.His1089Gln)

Genes: CACNA2D2 (calcium voltage-gated channel auxiliary subunit alpha2delta 2; minus strand), LOC127898564 (CYB561D2-LOC101928965; plus strand). Cytogenetic location: 3p21.31.
Variant type: single nucleotide variant.
Coding change: c.3267C>A on transcript NM_006030.4 (MANE Select); coding-DNA position 3267, C replaced by A.
Protein change: p.His1089Gln; replaces histidine 1089 with glutamine.
Molecular consequence: missense variant.
Genome position (GRCh38, 1-based): chr3:50,364,912, G>T on the plus strand (C>A on the coding strand, the complement: CACNA2D2 is on the minus strand). VCF-style: chr3-50364912-G-T. GRCh37 (hg19) VCF-style: chr3-50402343-G-T.
Other names: c.3288C>A (NM_001174051.1); c.3273C>A, p.His1091Gln (NM_001005505.3); c.3288C>A, p.His1096Gln (NM_001174051.3); c.3066C>A, p.His1022Gln (NM_001291101.1); short protein forms H1089Q, H1096Q, H1091Q, H1022Q.
Identifiers: ClinVar variation 411008 (VCV000411008.9), dbSNP rs781660163, ClinGen allele CA2418141.
Genomic context (GRCh38, chr3:50,364,912, plus strand): 5'-CCGCGGGATTTCGGGTCCACCGCCCCCTCTCCTCACTGTCGCGTTGTAGTCGAAGCAGAT[G>T]TGCGGGCCTCTCCGGTATCGCGGTCTCTGCACTAGCTCACACTGCTCCGGGCCGTCCGCT-3'
Protein context (NP_006021.2, residues 1079-1099): VQRPRYRRGP[His1089Gln]ICFDYNATED